The following is an entry in ClinVar:

NM_000057.4(BLM):c.1476C>G (p.Phe492Leu)

Gene: BLM (BLM RecQ like helicase; plus strand). Cytogenetic location: 15q26.1.
Variant type: single nucleotide variant.
Coding change: c.1476C>G on transcript NM_000057.4 (MANE Select); coding-DNA position 1476, C replaced by G.
Protein change: p.Phe492Leu; replaces phenylalanine 492 with leucine.
Molecular consequence: missense variant.
Genome position (GRCh38, 1-based): chr15:90,760,849, C>G. VCF-style: chr15-90760849-C-G. GRCh37 (hg19) VCF-style: chr15-91304079-C-G.
Other names: c.1476C>G, p.Phe492Leu (NM_001287246.2, NM_001287247.2); c.351C>G, p.Phe117Leu (NM_001287248.2); short protein forms F492L, F117L.
Identifiers: ClinVar variation 2709765 (VCV002709765.3), dbSNP rs1426291686, ClinGen allele CA393843140.
Genomic context (GRCh38, chr15:90,760,849, plus strand): 5'-CACCCTAGGAAAGACAGGATTCTCTGCCACCAGGAAGAATCTTTTTGAAAGGCCTTTATT[C>G]AATACCCATTTACAGAAGTCCTTTGTAAGTAGCAACTGGGCTGAAACACCAAGACTAGGA-3'
Protein context (NP_000048.1, residues 482-502): TRKNLFERPL[Phe492Leu]NTHLQKSFVS

ClinVar aggregate classification (germline): Uncertain significance (1 of 4 stars; one submission).

Conditions:
Bloom syndrome (BLM). Also called: Bloom-Torre-Machacek syndrome. Identifiers: Orphanet 125, MedGen C0005859, MONDO:0008876, OMIM 210900.

Submission:

Labcorp Genetics (formerly Invitae), Labcorp
Classification: Uncertain significance for Bloom syndrome. Last evaluated: 2024-01-17. Review status: criteria provided, single submitter. Criteria: Invitae Variant Classification Sherloc (09022015). Collection method: clinical testing. Allele origin: germline.
Comment: This sequence change replaces phenylalanine, which is neutral and non-polar, with leucine, which is neutral and non-polar, at codon 492 of the BLM protein (p.Phe492Leu). This variant is not present in population databases (gnomAD no frequency). This variant has not been reported in the literature in individuals affected with BLM-related conditions. Advanced modeling of protein sequence and biophysical properties (such as structural, functional, and spatial information, amino acid conservation, physicochemical variation, residue mobility, and thermodynamic stability) performed at Invitae indicates that this missense variant is not expected to disrupt BLM protein function with a negative predictive value of 80%. In summary, the available evidence is currently insufficient to determine the role of this variant in disease. Therefore, it has been classified as a Variant of Uncertain Significance.